The following is an entry in ClinVar:

ClinVar aggregate classification (germline): Uncertain significance (1 of 4 stars; one submission).

Allele frequency attached by ClinVar (database versions not stated): gnomAD exomes below 0.00001; TOPMed below 0.00001.
gnomAD v4.1: 1 of 1,613,434 alleles (0.000062%); highest among the groups gnomAD compares: Admixed American, 0.0017%; no homozygotes.

Submission:

Labcorp Genetics (formerly Invitae), Labcorp
Classification: Uncertain significance. Last evaluated: 2021-10-11. Review status: criteria provided, single submitter. Criteria: Invitae Variant Classification Sherloc (09022015). Collection method: clinical testing. Allele origin: germline.
Comment: This sequence change replaces glutamine with histidine at codon 1713 of the FN1 protein (p.Gln1713His). The glutamine residue is weakly conserved and there is a small physicochemical difference between glutamine and histidine. This variant is not present in population databases (ExAC no frequency). This variant has not been reported in the literature in individuals affected with FN1-related conditions. Algorithms developed to predict the effect of missense changes on protein structure and function are either unavailable or do not agree on the potential impact of this missense change (SIFT: "Not Available"; PolyPhen-2: "Possibly Damaging"; Align-GVGD: "Not Available"). In summary, the available evidence is currently insufficient to determine the role of this variant in disease. Therefore, it has been classified as a Variant of Uncertain Significance.

NM_212482.4(FN1):c.5139G>T (p.Gln1713His)

Gene: FN1 (fibronectin 1; minus strand). Cytogenetic location: 2q35.
Variant type: single nucleotide variant.
Coding change: c.5139G>T on transcript NM_212482.4 (MANE Select); coding-DNA position 5139, G replaced by T.
Protein change: p.Gln1713His; replaces glutamine 1713 with histidine.
Molecular consequence: missense variant.
Genome position (GRCh38, 1-based): chr2:215,382,237, C>A on the plus strand (G>T on the coding strand, the complement: FN1 is on the minus strand). VCF-style: chr2-215382237-C-A. GRCh37 (hg19) VCF-style: chr2-216246960-C-A.
Other names: c.5139G>T, p.Gln1713His (NM_001306129.2, NM_001306130.2, NM_001365517.2 and 3 more transcripts); c.4866G>T, p.Gln1622His (NM_001306131.2, NM_001306132.2, NM_001365518.2 and 7 more transcripts); short protein forms Q1622H, Q1713H.
Identifiers: ClinVar variation 1420215 (VCV001420215.6), dbSNP rs1186182399, ClinGen allele CA350476068.
Genomic context (GRCh38, chr2:215,382,237, plus strand): 5'-ACTTTGAAAATGGAAACCAAGCAGTGGTTACGTACTGGTTACTGCAGTCTGAACCAGAGG[C>A]TGACTCTCTCCGCTTGGATTCTGAGCATAGACACTAACCACATACTCCACTGTGGGCTGC-3'
Protein context (NP_997647.2, residues 1703-1723): VYAQNPSGES[Gln1713His]PLVQTAVTNI